The following is an entry in ClinVar:

ClinVar aggregate classification (germline): Uncertain significance (1 of 4 stars; one submission).

Conditions:
Early-infantile DEE. Also called: Ohtahara syndrome; Early infantile epileptic encephalopathy with suppression bursts; Early infantile epileptic encephalopathy. Identifiers: Orphanet 1934, MedGen C0393706, MONDO:0800491.

gnomAD v4.1: 1 of 151,128 alleles (0.00066%); highest among the groups gnomAD compares: Non-Finnish European, 0.0015%; no homozygotes.

Submission:

Labcorp Genetics (formerly Invitae), Labcorp
Classification: Uncertain significance for Early-infantile DEE. Last evaluated: 2024-04-17. Review status: criteria provided, single submitter. Criteria: Invitae Variant Classification Sherloc (09022015). Collection method: clinical testing. Allele origin: germline.
Comment: This sequence change falls in intron 20 of the SCN1A gene. It does not directly change the encoded amino acid sequence of the SCN1A protein. However, this sequence change falls within a region encompassing a cryptic exon in the SCN1A gene, in which variants have been shown to alter splicing (PMID: 30526861, 34107977). This variant is not present in population databases (gnomAD no frequency). This variant has not been reported in the literature in individuals affected with SCN1A-related conditions. Algorithms developed to predict the effect of sequence changes on RNA splicing suggest that this variant is not likely to affect RNA splicing. In summary, the available evidence is currently insufficient to determine the role of this variant in disease. Therefore, it has been classified as a Variant of Uncertain Significance.

Literature cited by the submitters: PubMed 30526861; PubMed 34107977.

NM_001165963.4(SCN1A):c.4002+2289C>T

Genes: SCN1A (sodium voltage-gated channel alpha subunit 1; minus strand), LOC102724058 (uncharacterized LOC102724058; plus strand). Cytogenetic location: 2q24.3.
Variant type: single nucleotide variant.
Coding change: c.4002+2289C>T on transcript NM_001165963.4 (MANE Select); 2289 bases into the intron after coding-DNA position 4002, C replaced by T.
Molecular consequence: intron variant.
Genome position (GRCh38, 1-based): chr2:166,007,430, G>A on the plus strand (C>T on the coding strand, the complement: SCN1A is on the minus strand). VCF-style: chr2-166007430-G-A. GRCh37 (hg19) VCF-style: chr2-166863940-G-A.
Other names: c.3969+2289C>T (NM_001353949.2, NM_001353950.2, NM_001353951.2 and 2 more transcripts); c.3918+2289C>T (NM_001353958.2, NM_001353957.2, NM_001165964.3); c.4002+2289C>T (NM_001202435.3, NM_001353948.2); c.3966+2289C>T (NM_001353955.2, NM_001353954.2); c.3915+2289C>T (NM_001353960.2); c.1560+2289C>T (NM_001353961.2).
Identifiers: ClinVar variation 3670058 (VCV003670058.2).